The following is an entry in ClinVar:

NM_004370.6(COL12A1):c.7804A>G (p.Arg2602Gly)

Gene: COL12A1 (collagen type XII alpha 1 chain; minus strand). Cytogenetic location: 6q13.
Variant type: single nucleotide variant.
Coding change: c.7804A>G on transcript NM_004370.6 (MANE Select); coding-DNA position 7804, A replaced by G.
Protein change: p.Arg2602Gly; replaces arginine 2602 with glycine.
Molecular consequence: missense variant.
Genome position (GRCh38, 1-based): chr6:75,113,638, T>C on the plus strand (A>G on the coding strand, the complement: COL12A1 is on the minus strand). VCF-style: chr6-75113638-T-C. GRCh37 (hg19) VCF-style: chr6-75823354-T-C.
Other names: c.4312A>G, p.Arg1438Gly (NM_080645.3); short protein forms R1438G, R2602G.
Identifiers: ClinVar variation 958263 (VCV000958263.13), dbSNP rs1263587165, ClinGen allele CA364744224.

ClinVar aggregate classification (germline): Uncertain significance. Review status: criteria provided, multiple submitters, no conflicts (2 of 4 stars). 3 submissions from 3 submitters: Uncertain significance (3). Last evaluated 2025-05-05.

Conditions:
Ullrich congenital muscular dystrophy 2 (UCMD2). Identifiers: Orphanet 75840, MedGen C4225314, MONDO:0014654, OMIM 616470.
Bethlem myopathy 2 (BTHLM2). Identifiers: Orphanet 536516, Orphanet 610, MedGen C4225313, MONDO:0034022, OMIM 616471.
Inborn genetic diseases. Identifiers: MedGen C0950123, MeSH D030342.

Allele frequency attached by ClinVar (database versions not stated): TOPMed below 0.00001; gnomAD 0.00001; gnomAD exomes 0.00001.
gnomAD v4.1: 9 of 1,610,338 alleles (0.00056%); highest among the groups gnomAD compares: African/African-American, 0.0013%; no homozygotes.

Submissions (3):

Ambry Genetics
Classification: Uncertain significance for Inborn genetic diseases. Last evaluated: 2025-05-05. Review status: criteria provided, single submitter. Criteria: Ambry Variant Classification Scheme 2023. Collection method: clinical testing. Allele origin: germline.

Labcorp Genetics (formerly Invitae), Labcorp
Classification: Uncertain significance for Bethlem myopathy 2; Ullrich congenital muscular dystrophy 2. Last evaluated: 2022-10-12. Review status: criteria provided, single submitter. Criteria: Invitae Variant Classification Sherloc (09022015). Collection method: clinical testing. Allele origin: germline.
Comment: In summary, the available evidence is currently insufficient to determine the role of this variant in disease. Therefore, it has been classified as a Variant of Uncertain Significance. Advanced modeling of protein sequence and biophysical properties (such as structural, functional, and spatial information, amino acid conservation, physicochemical variation, residue mobility, and thermodynamic stability) performed at Invitae indicates that this missense variant is not expected to disrupt COL12A1 protein function. ClinVar contains an entry for this variant (Variation ID: 958263). This variant has not been reported in the literature in individuals affected with COL12A1-related conditions. This variant is not present in population databases (gnomAD no frequency). This sequence change replaces arginine, which is basic and polar, with glycine, which is neutral and non-polar, at codon 2602 of the COL12A1 protein (p.Arg2602Gly).

Revvity Omics, Revvity
Classification: Uncertain significance. Last evaluated: 2019-07-29. Review status: criteria provided, single submitter. Criteria: ACMG Guidelines, 2015. Collection method: clinical testing. Allele origin: germline.